The following is an entry in ClinVar:

ClinVar aggregate classification (germline): Pathogenic (1 of 4 stars; one submission).

Conditions:
Hyper-IgE recurrent infection syndrome 1, autosomal dominant. Also called: JOB SYNDROME; STAT3 Hyper IgE Syndrome; HYPER-IgE SYNDROME 1, AUTOSOMAL DOMINANT, WITH RECURRENT INFECTIONS; Hyper-IgE recurrent infection syndrome 1; Job's Syndrome. Identifiers: Orphanet 2314, MedGen C2936739, MONDO:0007818, OMIM 147060.
STAT3 gain of function. Identifiers: MedGen C4288261.

Submission:

Labcorp Genetics (formerly Invitae), Labcorp
Classification: Pathogenic for STAT3 gain of function; Hyper-IgE recurrent infection syndrome 1, autosomal dominant. Last evaluated: 2021-08-28. Review status: criteria provided, single submitter. Criteria: Invitae Variant Classification Sherloc (09022015). Collection method: clinical testing. Allele origin: germline.
Comment: For these reasons, this variant has been classified as Pathogenic. This variant disrupts the p.Pro639 amino acid residue in STAT3. Other variant(s) that disrupt this residue have been determined to be pathogenic (PMID: 17881745, 20159255, 26743515, 27884935). This suggests that this residue is clinically significant, and that variants that disrupt this residue are likely to be disease-causing. Advanced modeling of protein sequence and biophysical properties (such as structural, functional, and spatial information, amino acid conservation, physicochemical variation, residue mobility, and thermodynamic stability) performed at Invitae indicates that this missense variant is expected to disrupt STAT3 protein function. This missense change has been observed in individuals with STAT3-related conditions (PMID: 17881745; Invitae). This variant is not present in population databases (ExAC no frequency). This sequence change replaces proline with alanine at codon 639 of the STAT3 protein (p.Pro639Ala). The proline residue is highly conserved and there is a small physicochemical difference between proline and alanine.

Literature cited by the submitters: PubMed 17881745; PubMed 20159255; PubMed 26743515; PubMed 27884935.

NM_139276.3(STAT3):c.1915C>G (p.Pro639Ala)

Gene: STAT3 (signal transducer and activator of transcription 3; minus strand). Cytogenetic location: 17q21.2.
Variant type: single nucleotide variant.
Coding change: c.1915C>G on transcript NM_139276.3 (MANE Select); coding-DNA position 1915, C replaced by G.
Protein change: p.Pro639Ala; replaces proline 639 with alanine.
Molecular consequence: missense variant.
Genome position (GRCh38, 1-based): chr17:42,322,468, G>C on the plus strand (C>G on the coding strand, the complement: STAT3 is on the minus strand). VCF-style: chr17-42322468-G-C. GRCh37 (hg19) VCF-style: chr17-40474486-G-C.
Other names: c.1915C>G, p.Pro639Ala (NM_001369512.1, NM_001369513.1, NM_001369514.1 and 9 more transcripts); c.1831C>G, p.Pro611Ala (NM_001384984.1); c.1837C>G, p.Pro613Ala (NM_001384985.1); c.1930C>G, p.Pro644Ala (NM_001384986.1, NM_001384990.1); c.1894C>G, p.Pro632Ala (NM_001384987.1); c.1819C>G, p.Pro607Ala (NM_001384989.1); c.1888C>G, p.Pro630Ala (NM_001384991.1); c.1855C>G, p.Pro619Ala (NM_001384992.1); short protein forms P611A, P619A, P644A, P613A, P632A, P639A, P607A, P630A.
Identifiers: ClinVar variation 1429145 (VCV001429145.6), dbSNP rs2144683531, ClinGen allele CA399582473.
Genomic context (GRCh38, chr17:42,322,468, plus strand): 5'-TCTTATAGCCCATGATGATTTCAGCAAATGACATGTTGTTCAGCTGCTGCTTTGTGTATG[G>C]TTCCACGGACTGGATCTGGGTCTTACCTGTCACAGGACATGGGAAGGAAAGATCATGGAA-3'
Protein context (NP_644805.1, residues 629-649): SGKTQIQSVE[Pro639Ala]YTKQQLNNMS